The following is an entry in ClinVar:

ClinVar aggregate classification (germline): Likely benign. Review status: criteria provided, multiple submitters, no conflicts (2 of 4 stars). 2 submissions from 2 submitters: Likely benign (2). Last evaluated 2026-06-23.

Conditions:
Joubert syndrome. Also called: Familial aplasia of the vermis; JOUBERT-BOLTSHAUSER SYNDROME. Identifiers: Orphanet 475, MedGen C5979921, MONDO:0018772.
Meckel-Gruber syndrome. Also called: DYSENCEPHALIA SPLANCHNOCYSTICA; GRUBER SYNDROME; Dysencephalia splachnocystica. Identifiers: Orphanet 564, MedGen C0265215, MONDO:0018921.
MKS1-related disorder. Also called: MKS1-related condition; MKS1-related disorders. Identifiers: MedGen CN239382.

Allele frequency attached by ClinVar (database versions not stated): ExAC 0.00001; gnomAD 0.00001; gnomAD exomes 0.00001 and 0.00003; TOPMed 0.00001.
gnomAD v4.1: 45 of 1,613,958 alleles (0.0028%); highest among the groups gnomAD compares: Non-Finnish European, 0.0037%; no homozygotes.

Submissions (2):

PreventionGenetics, part of Exact Sciences
Classification: Likely benign for MKS1-related condition. Last evaluated: 2026-06-23. Review status: criteria provided, single submitter. Criteria: ACMG Guidelines, 2015. Collection method: clinical testing. Allele origin: germline.
Comment: This variant is classified as likely benign based on ACMG/AMP sequence variant interpretation guidelines (Richards et al. 2015 PMID: 25741868, with internal and published modifications).

Labcorp Genetics (formerly Invitae), Labcorp
Classification: Likely benign for Joubert syndrome; Meckel-Gruber syndrome. Last evaluated: 2023-11-24. Review status: criteria provided, single submitter. Criteria: Invitae Variant Classification Sherloc (09022015). Collection method: clinical testing. Allele origin: germline.

NM_017777.4(MKS1):c.1086C>T (p.Ser362=)

Gene: MKS1 (MKS transition zone complex subunit 1; minus strand). Cytogenetic location: 17q22.
Variant type: single nucleotide variant.
Coding change: c.1086C>T on transcript NM_017777.4 (MANE Select); coding-DNA position 1086, C replaced by T.
Protein change: p.Ser362=; no amino-acid change (serine 362 retained).
Molecular consequence: synonymous variant.
Genome position (GRCh38, 1-based): chr17:58,208,522, G>A on the plus strand (C>T on the coding strand, the complement: MKS1 is on the minus strand). VCF-style: chr17-58208522-G-A. GRCh37 (hg19) VCF-style: chr17-56285883-G-A.
Other names: c.477C>T, p.Ser159= (NM_001321268.2); c.1086C>T, p.Ser362= (NM_001321269.2, NM_001330397.2).
Identifiers: ClinVar variation 697408 (VCV000697408.12), dbSNP rs748800331, ClinGen allele CA8669292.